The following is an entry in ClinVar:

ClinVar aggregate classification (germline): Uncertain significance (1 of 4 stars; one submission).

Conditions:
POLD1-related polyposis and colorectal cancer syndrome (CRCS10). Also called: Colorectal cancer 10; COLORECTAL CANCER, SUSCEPTIBILITY TO, ON CHROMOSOME 19q; Colorectal cancer, susceptibility to, 10. Identifiers: Orphanet 220460, MedGen C2675481, MONDO:0012953, OMIM 612591.

Submission:

Labcorp Genetics (formerly Invitae), Labcorp
Classification: Uncertain significance for POLD1-related polyposis and colorectal cancer syndrome. Last evaluated: 2023-05-26. Review status: criteria provided, single submitter. Criteria: Invitae Variant Classification Sherloc (09022015). Collection method: clinical testing. Allele origin: germline.
Comment: This variant is not present in population databases (gnomAD no frequency). In summary, the available evidence is currently insufficient to determine the role of this variant in disease. Therefore, it has been classified as a Variant of Uncertain Significance. Algorithms developed to predict the effect of sequence changes on RNA splicing suggest that this variant may disrupt the consensus splice site. This variant has not been reported in the literature in individuals affected with POLD1-related conditions. This sequence change falls in intron 2 of the POLD1 gene. It does not directly change the encoded amino acid sequence of the POLD1 protein.

NM_002691.4(POLD1):c.203-19C>T

Gene: POLD1 (DNA polymerase delta 1, catalytic subunit; plus strand). Cytogenetic location: 19q13.33.
Variant type: single nucleotide variant.
Coding change: c.203-19C>T on transcript NM_002691.4 (MANE Select); 19 bases into the intron before coding-DNA position 203, C replaced by T.
Molecular consequence: intron variant.
Genome position (GRCh38, 1-based): chr19:50,399,352, C>T. VCF-style: chr19-50399352-C-T. GRCh37 (hg19) VCF-style: chr19-50902609-C-T.
Other names: c.203-19C>T (NM_001256849.1, NM_001308632.1).
Identifiers: ClinVar variation 3015807 (VCV003015807.3), dbSNP rs2513936261, ClinGen allele CA2740096961.